The following is an entry in ClinVar:

NM_006445.4(PRPF8):c.3399C>G (p.Cys1133Trp)

Gene: PRPF8 (pre-mRNA processing factor 8; minus strand). Cytogenetic location: 17p13.3.
Variant type: single nucleotide variant.
Coding change: c.3399C>G on transcript NM_006445.4 (MANE Select); coding-DNA position 3399, C replaced by G.
Protein change: p.Cys1133Trp; replaces cysteine 1133 with tryptophan.
Molecular consequence: missense variant.
Genome position (GRCh38, 1-based): chr17:1,673,793, G>C on the plus strand (C>G on the coding strand, the complement: PRPF8 is on the minus strand). VCF-style: chr17-1673793-G-C. GRCh37 (hg19) VCF-style: chr17-1577087-G-C.
Other names: c.3399C>G (NM_006445.3); short protein forms C1133W.
Identifiers: ClinVar variation 3657683 (VCV003657683.3).
Genomic context (GRCh38, chr17:1,673,793, plus strand): 5'-AACCTAGACTCACAAGTTAACATCATGTTTCATGAGGCGCATGCGGGCATCTCGGGGCCA[G>C]CACTTCTTGTTATTATAGCCAACGATGTTTTCATTATTGGGGTCAGGGTGCTCTGTCAGG-3'
Protein context (NP_006436.3, residues 1123-1143): ENIVGYNNKK[Cys1133Trp]WPRDARMRLM

ClinVar aggregate classification (germline): Uncertain significance. Review status: criteria provided, multiple submitters, no conflicts (2 of 4 stars). 2 submissions from 2 submitters: Uncertain significance (2). Last evaluated 2025-12-04.

Conditions:
Inborn genetic diseases. Identifiers: MedGen C0950123, MeSH D030342.

Submissions (2):

Ambry Genetics
Classification: Uncertain significance for Inborn genetic diseases. Last evaluated: 2025-12-04. Review status: criteria provided, single submitter. Criteria: Ambry Variant Classification Scheme 2023. Collection method: clinical testing. Allele origin: germline.

Labcorp Genetics (formerly Invitae), Labcorp
Classification: Uncertain significance. Last evaluated: 2024-06-24. Review status: criteria provided, single submitter. Criteria: Invitae Variant Classification Sherloc (09022015). Collection method: clinical testing. Allele origin: germline.
Comment: This sequence change replaces cysteine, which is neutral and slightly polar, with tryptophan, which is neutral and slightly polar, at codon 1133 of the PRPF8 protein (p.Cys1133Trp). This variant is not present in population databases (gnomAD no frequency). This variant has not been reported in the literature in individuals affected with PRPF8-related conditions. Advanced modeling of protein sequence and biophysical properties (such as structural, functional, and spatial information, amino acid conservation, physicochemical variation, residue mobility, and thermodynamic stability) performed at Invitae indicates that this missense variant is expected to disrupt PRPF8 protein function with a positive predictive value of 80%. In summary, the available evidence is currently insufficient to determine the role of this variant in disease. Therefore, it has been classified as a Variant of Uncertain Significance.